The following is an entry in ClinVar:

ClinVar aggregate classification (germline): Uncertain significance (1 of 4 stars; one submission).

Conditions:
Autosomal recessive ataxia, Beauce type. Also called: SYNE1-Related Autosomal Recessive Cerebellar Ataxia; Spinocerebellar ataxia, autosomal recessive 8; ATAXIA, RECESSIVE, OF BEAUCE; SYNE1 Deficiency. Identifiers: Orphanet 88644, MedGen C1853116, MONDO:0012549, OMIM 610743.
Emery-Dreifuss muscular dystrophy 4, autosomal dominant (EDMD4). Also called: EMERY-DREIFUSS MUSCULAR DYSTROPHY 4 WITH VARIABLE FEATURES. Identifiers: Orphanet 261, MedGen C2751807, MONDO:0013071, OMIM 612998.

gnomAD v4.1: 8 of 1,613,960 alleles (0.0005%); highest among the groups gnomAD compares: East Asian, 0.0045%; no homozygotes.

Submission:

Labcorp Genetics (formerly Invitae), Labcorp
Classification: Uncertain significance for Emery-Dreifuss muscular dystrophy 4, autosomal dominant; Autosomal recessive ataxia, Beauce type. Last evaluated: 2025-03-04. Review status: criteria provided, single submitter. Criteria: Invitae Variant Classification Sherloc (09022015). Collection method: clinical testing. Allele origin: germline.
Comment: This sequence change replaces alanine, which is neutral and non-polar, with valine, which is neutral and non-polar, at codon 1615 of the SYNE1 protein (p.Ala1615Val). This variant is not present in population databases (gnomAD no frequency). This variant has not been reported in the literature in individuals affected with SYNE1-related conditions. An algorithm developed to predict the effect of missense changes on protein structure and function (PolyPhen-2) suggests that this variant is likely to be tolerated. In summary, the available evidence is currently insufficient to determine the role of this variant in disease. Therefore, it has been classified as a Variant of Uncertain Significance.

NM_182961.4(SYNE1):c.4823C>T (p.Ala1608Val)

Gene: SYNE1 (spectrin repeat containing nuclear envelope protein 1; minus strand). Cytogenetic location: 6q25.2.
Variant type: single nucleotide variant.
Coding change: c.4823C>T on transcript NM_182961.4 (MANE Select); coding-DNA position 4823, C replaced by T.
Protein change: p.Ala1608Val; replaces alanine 1608 with valine.
Molecular consequence: missense variant.
Genome position (GRCh38, 1-based): chr6:152,428,358, G>A on the plus strand (C>T on the coding strand, the complement: SYNE1 is on the minus strand). VCF-style: chr6-152428358-G-A. GRCh37 (hg19) VCF-style: chr6-152749493-G-A.
Other names: c.4844C>T, p.Ala1615Val (NM_033071.5); short protein forms A1615V, A1608V.
Identifiers: ClinVar variation 4783111 (VCV004783111.1).
Genomic context (GRCh38, chr6:152,428,358, plus strand): 5'-TCCTGAACACAGGAATCTCTGTTCACAACCTTCCTGGCACTGGCTGAGAAGGCAGTGATC[G>A]CGCTGCTCAGTGACTCCAGGGCCTGGCAGAGATCCTAAGAAGAGTGCGAGAAGAATGCAG-3'
Protein context (NP_892006.3, residues 1598-1618): LCQALESLSS[Ala1608Val]ITAFSASARK